The following is an entry in ClinVar:

NM_001943.5(DSG2):c.884T>C (p.Val295Ala)

Gene: DSG2 (desmoglein 2; plus strand). Cytogenetic location: 18q12.1.
Variant type: single nucleotide variant.
Coding change: c.884T>C on transcript NM_001943.5 (MANE Select); coding-DNA position 884, T replaced by C.
Protein change: p.Val295Ala; replaces valine 295 with alanine.
Molecular consequence: missense variant.
Genome position (GRCh38, 1-based): chr18:31,524,758, T>C. VCF-style: chr18-31524758-T-C. GRCh37 (hg19) VCF-style: chr18-29104721-T-C.
Other names: c.884T>C (NM_001943.3); short protein forms V295A.
Identifiers: ClinVar variation 925291 (VCV000925291.8), dbSNP rs762588785, ClinGen allele CA050408.

ClinVar aggregate classification (germline): Conflicting classifications of pathogenicity. Review status: criteria provided, conflicting classifications (1 of 4 stars). 4 submissions from 4 submitters: Uncertain significance (3); Likely benign (1). Last evaluated 2026-01-21.

Conditions:
Cardiomyopathy (CMYO). Also called: Cardiomyopathies. Identifiers: Orphanet 167848, MedGen C0878544, MONDO:0004994, HP:0001638. Inheritance: Various modes of inheritance.
Arrhythmogenic right ventricular cardiomyopathy (ARVD). Also called: Arrhythmogenic cardiomyopathy; Cardiomyopathy, ARVC; Arrhythmogenic right ventricular dysplasia; Arrhythmogenic Right Ventricular Cardiomyopathy (ARVC). Identifiers: Orphanet 247, MedGen C0349788, MeSH D019571, MONDO:0016587. Disease mechanism: loss of function. Inheritance: Various modes of inheritance.
Cardiovascular phenotype. Identifiers: MedGen CN230736.
Arrhythmogenic right ventricular dysplasia 10. Also called: Arrhythmogenic Right Ventricular Dysplasia/Cardiomyopathy10; ARRHYTHMOGENIC RIGHT VENTRICULAR DYSPLASIA, FAMILIAL, 10; Arrhythmogenic right ventricular dysplasia/cardiomyopathy, type 10. Identifiers: MedGen C1857777, MONDO:0012434, OMIM 610193.

Allele frequency attached by ClinVar (database versions not stated): gnomAD exomes below 0.00001 and 0.00001; ExAC 0.00001; gnomAD 0.00001; TOPMed 0.00001.

Submissions (4):

Labcorp Genetics (formerly Invitae), Labcorp
Classification: Uncertain significance for Arrhythmogenic right ventricular dysplasia 10. Last evaluated: 2026-01-21. Review status: criteria provided, single submitter. Criteria: Invitae Variant Classification Sherloc (09022015). Collection method: clinical testing. Allele origin: germline.
Comment: This sequence change replaces valine, which is neutral and non-polar, with alanine, which is neutral and non-polar, at codon 295 of the DSG2 protein (p.Val295Ala). This variant is present in population databases (rs762588785, gnomAD 0.006%). This variant has not been reported in the literature in individuals affected with DSG2-related conditions. ClinVar contains an entry for this variant (Variation ID: 925291). Invitae Evidence Modeling of protein sequence and biophysical properties (such as structural, functional, and spatial information, amino acid conservation, physicochemical variation, residue mobility, and thermodynamic stability) indicates that this missense variant is not expected to disrupt DSG2 protein function with a negative predictive value of 95%. In summary, the available evidence is currently insufficient to determine the role of this variant in disease. Therefore, it has been classified as a Variant of Uncertain Significance.

Ambry Genetics
Classification: Likely benign for Cardiovascular phenotype. Last evaluated: 2025-12-18. Review status: criteria provided, single submitter. Criteria: Ambry Variant Classification Scheme 2023. Collection method: clinical testing. Allele origin: germline.

Color Diagnostics, LLC DBA Color Health
Classification: Uncertain significance for Cardiomyopathy. Last evaluated: 2024-03-06. Review status: criteria provided, single submitter. Criteria: ACMG Guidelines, 2015. Collection method: clinical testing. Allele origin: germline.
Comment: This missense variant replaces valine with alanine at codon 295 of the DSG2 protein. Computational prediction suggests that this variant may not impact protein structure and function (internally defined REVEL score threshold <= 0.5, PMID: 27666373). To our knowledge, functional studies have not been reported for this variant. This variant has not been reported in individuals affected with DSG2-related disorders in the literature. This variant has been identified in 1/249390 chromosomes in the general population by the Genome Aggregation Database (gnomAD). The available evidence is insufficient to determine the role of this variant in disease conclusively. Therefore, this variant is classified as a Variant of Uncertain Significance.

All of Us Research Program, National Institutes of Health
Classification: Uncertain significance for Arrhythmogenic right ventricular cardiomyopathy. Last evaluated: 2023-12-13. Review status: criteria provided, single submitter. Criteria: ACMG Guidelines, 2015. Collection method: clinical testing. Allele origin: germline. Inheritance: Autosomal dominant inheritance. Observed: 2 variant alleles, 2 heterozygotes.
Comment: This missense variant replaces valine with alanine at codon 295 of the DSG2 protein. Computational prediction suggests that this variant may not impact protein structure and function (internally defined REVEL score threshold <= 0.5, PMID: 27666373). Splice site prediction tools suggest that this variant may not impact RNA splicing. To our knowledge, functional studies have not been performed for this variant. This variant has not been reported in individuals affected with cardiovascular disorders in the literature. This variant has been identified in 1/249390 chromosomes in the general population by the Genome Aggregation Database (gnomAD). The available evidence is insufficient to determine the role of this variant in disease conclusively. Therefore, this variant is classified as a Variant of Uncertain Significance.

This study involves interpretation of variants in research participants for the purpose of population health screening. Participant phenotype was not available at the time of variant classification. Additional details can be found in publication PMID: 35346344, PMCID: PMC8962531